The following is an entry in ClinVar:

ClinVar aggregate classification (germline): Pathogenic/Likely pathogenic. Review status: criteria provided, multiple submitters, no conflicts (2 of 4 stars). 2 submissions from 2 submitters: Pathogenic (1); Likely pathogenic (1). Last evaluated 2023-08-05.

Conditions:
Peroxisome biogenesis disorder 5A (Zellweger) (PBD5A). Identifiers: Orphanet 912, MedGen C3553940, MONDO:0013932, OMIM 614866.

Submissions (2):

Baylor Genetics
Classification: Likely pathogenic for Peroxisome biogenesis disorder 5A (Zellweger). Last evaluated: 2023-08-05. Review status: criteria provided, single submitter. Criteria: ACMG Guidelines, 2015. Collection method: clinical testing. Allele origin: unknown.

Labcorp Genetics (formerly Invitae), Labcorp
Classification: Pathogenic for Peroxisome biogenesis disorder 5A (Zellweger). Last evaluated: 2021-11-06. Review status: criteria provided, single submitter. Criteria: Invitae Variant Classification Sherloc (09022015). Collection method: clinical testing. Allele origin: germline.
Comment: This sequence change creates a premature translational stop signal (p.Asn73Metfs*9) in the PEX2 gene. While this is not anticipated to result in nonsense mediated decay, it is expected to disrupt the last 233 amino acid(s) of the PEX2 protein. This variant is not present in population databases (gnomAD no frequency). This variant has not been reported in the literature in individuals affected with PEX2-related conditions. ClinVar contains an entry for this variant (Variation ID: 653188). This variant disrupts a region of the PEX2 protein in which other variant(s) (p.Arg119*) have been determined to be pathogenic (PMID: 10528859, 15542397). This suggests that this is a clinically significant region of the protein, and that variants that disrupt it are likely to be disease-causing. For these reasons, this variant has been classified as Pathogenic.

Literature cited by the submitters: PubMed 10528859 (cited by Labcorp Genetics (formerly Invitae), Labcorp); PubMed 15542397 (cited by Labcorp Genetics (formerly Invitae), Labcorp).

NM_000318.3(PEX2):c.218del (p.Asn73fs)

Gene: PEX2 (peroxisomal biogenesis factor 2; minus strand). Cytogenetic location: 8q21.13.
Variant type: Deletion.
Coding change: c.218del on transcript NM_000318.3 (MANE Select); coding-DNA position 218, one base deleted (A; older notation c.218delA).
Protein change: p.Asn73fs; shifts the reading frame from asparagine 73.
Molecular consequence: frameshift variant.
Genome position (GRCh38, 1-based): chr8:76,983,961, T deleted on the plus strand (A on the coding strand, the reverse complement: PEX2 is on the minus strand); the first of 5 consecutive T bases (chr8:76,983,961-76,983,965); deleting any one gives the same sequence. VCF-style (leftmost placement, unchanged base first): chr8-76983960-AT-A. GRCh37 (hg19) VCF-style: chr8-77896196-AT-A.
Other names: c.218del, p.Asn73fs (NM_001079867.2, NM_001172086.2, NM_001172087.2); c.218delA (NM_000318.2); c.218del (NM_000318.2); short protein forms N73fs.
Identifiers: ClinVar variation 653188 (VCV000653188.7), dbSNP rs1586070089, ClinGen allele CA915945750.